The following is an entry in ClinVar:

NM_007294.4(BRCA1):c.827C>G (p.Thr276Arg)

Gene: BRCA1 (BRCA1 DNA repair associated; minus strand). Cytogenetic location: 17q21.31.
Variant type: single nucleotide variant.
Coding change: c.827C>G on transcript NM_007294.4 (MANE Select); coding-DNA position 827, C replaced by G.
Protein change: p.Thr276Arg; replaces threonine 276 with arginine.
Molecular consequence: missense variant. On other transcripts: 5 prime UTR variant (2), intron variant (137).
Genome position (GRCh38, 1-based): chr17:43,094,704, G>C on the plus strand (C>G on the coding strand, the complement: BRCA1 is on the minus strand). VCF-style: chr17-43094704-G-C. GRCh37 (hg19) VCF-style: chr17-41246721-G-C.
Other names: 946C>G; c.614C>G, p.Thr205Arg (NM_001407571.1, NM_001407853.1, NM_001407894.1 and 9 more transcripts); c.827C>G, p.Thr276Arg (NM_001407581.1, NM_001407582.1, NM_001407583.1 and 30 more transcripts); c.824C>G, p.Thr275Arg (NM_001407587.1, NM_001407590.1, NM_001407591.1 and 22 more transcripts); c.818C>G, p.Thr273Arg (NM_001407646.1, NM_001407647.1); c.704C>G, p.Thr235Arg (NM_001407648.1, NM_001407664.1, NM_001407665.1 and 19 more transcripts); c.701C>G, p.Thr234Arg (NM_001407649.1, NM_001407670.1, NM_001407671.1 and 11 more transcripts); c.749C>G, p.Thr250Arg (NM_001407653.1, NM_001407654.1, NM_001407655.1 and 4 more transcripts); and 41 more; short protein forms T276R, T229R, T149R, T209R, T250R, T164R, T205R, T208R.
Identifiers: ClinVar variation 37706 (VCV000037706.47), dbSNP rs80357436, ClinGen allele CA003925.

ClinVar aggregate classification (germline): Benign. Review status: reviewed by expert panel (3 of 4 stars). 19 submissions from 19 submitters: Benign (1). 18 of the submissions do not count toward it. Last evaluated 2019-06-18.

Conditions:
BRCA1-related disorder. Also called: BRCA1-related condition.
Familial cancer of breast. Also called: Hereditary breast cancer; hereditary breast carcinoma; BREAST CANCER, FAMILIAL. Identifiers: Orphanet 227535, MedGen C0346153, MONDO:0016419, OMIM 114480. Disease mechanism: loss of function.
Breast-ovarian cancer, familial, susceptibility to, 1 (BROVCA1). Also called: OVARIAN CANCER, SUSCEPTIBILITY TO; BRCA1 Hereditary Breast and Ovarian Cancer. Identifiers: Orphanet 145, MedGen C2676676, MONDO:0011450, OMIM 604370. Disease mechanism: loss of function.
Pancreatic cancer, susceptibility to, 4. Identifiers: Orphanet 1333, MedGen C3280442, MONDO:0013685, OMIM 614320.
Fanconi anemia, complementation group S (FANCS). Identifiers: MedGen C4554406, MONDO:0054748, OMIM 617883.
Hereditary cancer-predisposing syndrome. Also called: Tumor predisposition; Neoplastic Syndromes, Hereditary; Hereditary Cancer Syndrome; Hereditary neoplastic syndrome. Identifiers: Orphanet 140162, MedGen C0027672, MeSH D009386, MONDO:0015356.
Hereditary breast ovarian cancer syndrome. Also called: Hereditary breast and ovarian cancer syndrome (HBOC); Hereditary breast and ovarian cancer syndrome; Hereditary breast and ovarian cancer; Hereditary breast and/or ovarian cancer syndrome; Breast and ovarian cancer; BRCA1- and BRCA2-Associated Hereditary Breast and Ovarian Cancer. Identifiers: Orphanet 145, MedGen C0677776, MeSH D061325, MONDO:0003582. Disease mechanism: loss of function.

Allele frequency attached by ClinVar (database versions not stated): gnomAD exomes 0.00001; ExAC 0.00002; gnomAD 0.00019.
gnomAD v4.1: 22 of 1,612,390 alleles (0.0014%); highest among the groups gnomAD compares: Non-Finnish European, 0.0018%; no homozygotes.

Submissions 1 to 11 of 19:

Evidence-based Network for the Interpretation of Germline Mutant Alleles (ENIGMA)
Classification: Benign for Breast-ovarian cancer, familial, susceptibility to, 1. Last evaluated: 2019-06-18. Review status: reviewed by expert panel. Criteria: ENIGMA BRCA1/2 Classification Criteria (2017-06-29). Collection method: curation. Allele origin: germline.
Comment: IARC class based on posterior probability from multifactorial likelihood analysis, thresholds for class as per Plon et al. 2008 (PMID: 18951446). Class 1 based on posterior probability = 0.000045

Labcorp Genetics (formerly Invitae), Labcorp
Classification: Likely benign for Hereditary breast ovarian cancer syndrome. Last evaluated: 2025-12-29. Review status: criteria provided, single submitter. Criteria: Invitae Variant Classification Sherloc (09022015). Collection method: clinical testing. Allele origin: germline. Not counted in ClinVar's aggregate classification.

PreventionGenetics, part of Exact Sciences
Classification: Likely benign for BRCA1-related condition. Last evaluated: 2025-09-07. Review status: criteria provided, single submitter. Criteria: ACMG Guidelines, 2015. Collection method: clinical testing. Allele origin: germline. Not counted in ClinVar's aggregate classification.
Comment: This variant is classified as likely benign based on ACMG/AMP sequence variant interpretation guidelines (Richards et al. 2015 PMID: 25741868, with internal and published modifications).

Blueprint Genetics
Classification: Likely benign. Last evaluated: 2024-11-22. Review status: criteria provided, single submitter. Criteria: ACMG Guidelines, 2015. Collection method: clinical testing. Allele origin: germline. Not counted in ClinVar's aggregate classification.

Women's Health and Genetics/Laboratory Corporation of America, LabCorp
Classification: Likely benign. Last evaluated: 2024-11-11. Review status: criteria provided, single submitter. Criteria: LabCorp Variant Classification Summary - May 2015. Collection method: clinical testing. Allele origin: germline. Not counted in ClinVar's aggregate classification.
Comment: Variant summary: BRCA1 c.827C>G (p.Thr276Arg) results in a non-conservative amino acid change in the encoded protein sequence. Four of five in-silico tools predict a damaging effect of the variant on protein function. The variant allele was found at a frequency of 1.2e-05 in 250822 control chromosomes. The available data on variant occurrences in the general population are insufficient to allow any conclusion about variant significance. c.827C>G has been reported in the literature in individuals affected with Hereditary Breast and Ovarian Cancer without strong evidence for causality (Abkevich_2004, Akbari_2011, Judkins_2005, Lee_2008, Zhang_2023). These reports do not provide unequivocal conclusions about association of the variant with Hereditary Breast and Ovarian Cancer. At least one publication reports experimental evidence evaluating an impact on protein function which suggests the variant protein retains E3 ubiquitin ligase activity similar to wildtype BRCA1 (Starita 2015). Additionally, multifactorial likelihood analysis which takes into consideration family history of disease, co-occurrence with pathogenic variants, and co-segregation with disease has reported this variant to have low odds of disease causality (Parsons 2019). The following publications have been ascertained in the context of this evaluation (PMID: 15235020, 21965345, 16518693, 16267036, 18284688, 31112341, 15385441, 25823446, 37970354). ClinVar contains an entry for this variant (Variation ID: 37706). Based on the evidence outlined above, the variant was classified as likely benign.

Department of Pathology and Laboratory Medicine, Sinai Health System
Classification: Uncertain significance for Fanconi anemia, complementation group S. Last evaluated: 2024-09-25. Review status: criteria provided, single submitter. Criteria: ACMG Guidelines, 2015. Collection method: clinical testing. Allele origin: germline. Affected: no. Not counted in ClinVar's aggregate classification.

Quest Diagnostics Nichols Institute San Juan Capistrano
Classification: Uncertain significance. Last evaluated: 2024-01-05. Review status: criteria provided, single submitter. Criteria: Quest Diagnostics criteria. Collection method: clinical testing. Allele origin: unknown. Not counted in ClinVar's aggregate classification.

All of Us Research Program, National Institutes of Health
Classification: Likely benign for Breast-ovarian cancer, familial, susceptibility to, 1. Last evaluated: 2023-12-13. Review status: criteria provided, single submitter. Criteria: ACMG Guidelines, 2015. Collection method: clinical testing. Allele origin: germline. Inheritance: Autosomal dominant inheritance. Observed: 6 variant alleles, 6 heterozygotes. Not counted in ClinVar's aggregate classification.
Comment: This study involves interpretation of variants in research participants for the purpose of population health screening. Participant phenotype was not available at the time of variant classification. Additional details can be found in publication PMID: 35346344, PMCID: PMC8962531

GeneDx
Classification: Uncertain significance. Last evaluated: 2023-09-21. Review status: criteria provided, single submitter. Criteria: GeneDx Variant Classification Process June 2021. Collection method: clinical testing. Allele origin: germline. Affected: yes. Not counted in ClinVar's aggregate classification.
Comment: Observed in individuals with breast or ovarian cancer (Lee et al., 2008; Akbari et al., 2011); Published functional studies demonstrate retained competency for ubiquitination (Starita et al., 2015); In silico analysis supports that this missense variant has a deleterious effect on protein structure/function; Also known as 946C>G; This variant is associated with the following publications: (PMID: 33087888, 16518693, 15235020, 21965345, 15385441, 16267036, 18284688, 31131967, 25823446, 20215511, 9582019, 9926942, 9788437, 15343273)

Ambry Genetics
Classification: Likely benign for Hereditary cancer-predisposing syndrome. Last evaluated: 2023-05-01. Review status: criteria provided, single submitter. Criteria: Ambry Variant Classification Scheme 2023. Collection method: clinical testing. Allele origin: germline. Not counted in ClinVar's aggregate classification.

Fulgent Genetics
Classification: Likely benign for Familial cancer of breast; Breast-ovarian cancer, familial, susceptibility to, 1; Pancreatic cancer, susceptibility to, 4; Fanconi anemia, complementation group S. Last evaluated: 2022-03-17. Review status: criteria provided, single submitter. Criteria: ACMG Guidelines, 2015. Collection method: clinical testing. Allele origin: unknown. Not counted in ClinVar's aggregate classification.